The following is an entry in ClinVar:

NM_000152.5(GAA):c.1326+132G>A

Gene: GAA (alpha glucosidase; plus strand). Cytogenetic location: 17q25.3.
Variant type: single nucleotide variant.
Coding change: c.1326+132G>A on transcript NM_000152.5 (MANE Select); 132 bases into the intron after coding-DNA position 1326, G replaced by A.
Molecular consequence: intron variant.
Genome position (GRCh38, 1-based): chr17:80,108,960, G>A. VCF-style: chr17-80108960-G-A. GRCh37 (hg19) VCF-style: chr17-78082759-G-A.
Other names: c.1326+132G>A (NM_001079803.3, NM_001079804.3).
Identifiers: ClinVar variation 1256990 (VCV001256990.3), dbSNP rs894306, ClinGen allele CA14478726.

ClinVar aggregate classification (germline): Benign. Review status: criteria provided, multiple submitters, no conflicts (2 of 4 stars). 2 submissions from 2 submitters: Benign (2). Last evaluated 2026-07-01.

Conditions:
Glycogen storage disease, type II (IOPD). Also called: CARDIOMEGALIA GLYCOGENICA DIFFUSA; GLYCOGENOSIS, GENERALIZED, CARDIAC FORM; GSD II; Glycogen storage disease type 2; Acid maltase deficiency disease; Aglucosidase alfa. Identifiers: Orphanet 365, MedGen C0017921, MONDO:0009290, OMIM 232300.

Allele frequency attached by ClinVar (database versions not stated): 1000 Genomes Project 30x 0.59947; 1000 Genomes Project 0.60084; TOPMed 0.63531; gnomAD 0.65478 and 0.65482; gnomAD exomes 0.71292.
gnomAD v4.1: 851,118 of 1,206,564 alleles (71%); highest among the groups gnomAD compares: Middle Eastern, 79%; 303,523 homozygotes.

Submissions (2):

Genomenon, Inc
Classification: Benign for Glycogen storage disease, type II. Last evaluated: 2026-07-01. Review status: criteria provided, single submitter. Criteria: Genomenon Sequence Variant Interpretation Standards - Updated. Collection method: curation. Allele origin: germline. Affected: no.
Comment: GAA c.1326+132G>A is an intronic variant located in intron 8. This variant is present at high allele frequency in population databases. We classify GAA c.1326+132G>A as a benign variant.

GeneDx
Classification: Benign. Last evaluated: 2018-06-23. Review status: criteria provided, single submitter. Criteria: GeneDx Variant Classification Process June 2021. Collection method: clinical testing. Allele origin: germline. Affected: yes.